The following is an entry in ClinVar:

ClinVar aggregate classification (germline): Benign. Review status: criteria provided, multiple submitters, no conflicts (2 of 4 stars). 2 submissions from 2 submitters: Benign (2). Last evaluated 2026-01-28.

Allele frequency attached by ClinVar (database versions not stated): gnomAD exomes 0.14525; ExAC 0.15030; gnomAD 0.19393 and 0.19730; TOPMed 0.20260; 1000 Genomes Project 0.20707; 1000 Genomes Project 30x 0.20878; ESP Exome Variant Server 0.21259.
gnomAD v4.1: 243,282 of 1,609,132 alleles (15%); highest among the groups gnomAD compares: African/African-American, 36%; 20,804 homozygotes.

Submissions (2):

Labcorp Genetics (formerly Invitae), Labcorp
Classification: Benign. Last evaluated: 2026-01-28. Review status: criteria provided, single submitter. Criteria: Invitae Variant Classification Sherloc (09022015). Collection method: clinical testing. Allele origin: germline.

GeneDx
Classification: Benign. Last evaluated: 2016-01-27. Review status: criteria provided, single submitter. Criteria: GeneDx Variant Classification (06012015). Collection method: clinical testing. Allele origin: germline. Affected: yes.
Comment: This variant is considered likely benign or benign based on one or more of the following criteria: it is a conservative change, it occurs at a poorly conserved position in the protein, it is predicted to be benign by multiple in silico algorithms, and/or has population frequency not consistent with disease.

NM_018341.3(ERMARD):c.858-10A>C

Gene: ERMARD (ER membrane associated RNA degradation; plus strand). Cytogenetic location: 6q27.
Variant type: single nucleotide variant.
Coding change: c.858-10A>C on transcript NM_018341.3 (MANE Select); 10 bases into the intron before coding-DNA position 858, A replaced by C.
Molecular consequence: intron variant.
Genome position (GRCh38, 1-based): chr6:169,762,419, A>C. VCF-style: chr6-169762419-A-C. GRCh37 (hg19) VCF-style: chr6-170162515-A-C.
Other names: c.858-10A>C (NM_001278531.2, NM_001278533.2); c.480-10A>C (NM_001278532.2).
Identifiers: ClinVar variation 380786 (VCV000380786.9), dbSNP rs9478006, ClinGen allele CA4106032.